The following is an entry in ClinVar:

ClinVar aggregate classification (germline): Uncertain significance (0 of 4 stars; one submission).

Conditions:
STAT5B-related disorder. Also called: STAT5B-related condition.

gnomAD v4.1: 3 of 1,613,324 alleles (0.00019%); highest among the groups gnomAD compares: Admixed American, 0.005%; no homozygotes.

Submission:

PreventionGenetics, part of Exact Sciences
Classification: Uncertain significance for STAT5B-related condition. Last evaluated: 2024-08-06. Review status: no assertion criteria provided. Collection method: clinical testing. Allele origin: germline.
Comment: The STAT5B c.286A>C variant is predicted to result in the amino acid substitution p.Asn96His. To our knowledge, this variant has not been reported in the literature. This variant is reported in 0.0029% of alleles in individuals of Latino descent in gnomAD. At this time, the clinical significance of this variant is uncertain due to the absence of conclusive functional and genetic evidence.

NM_012448.4(STAT5B):c.286A>C (p.Asn96His)

Gene: STAT5B (signal transducer and activator of transcription 5B; minus strand). Cytogenetic location: 17q21.2.
Variant type: single nucleotide variant.
Coding change: c.286A>C on transcript NM_012448.4 (MANE Select); coding-DNA position 286, A replaced by C.
Protein change: p.Asn96His; replaces asparagine 96 with histidine.
Molecular consequence: missense variant.
Genome position (GRCh38, 1-based): chr17:42,224,868, T>G on the plus strand (A>C on the coding strand, the complement: STAT5B is on the minus strand). VCF-style: chr17-42224868-T-G. GRCh37 (hg19) VCF-style: chr17-40376886-T-G.
Other names: short protein forms N96H.
Identifiers: ClinVar variation 3349807 (VCV003349807.1).